The following is an entry in ClinVar:

NM_000203.5(IDUA):c.1456G>T (p.Glu486Ter)

Gene: IDUA (alpha-L-iduronidase; plus strand). Cytogenetic location: 4p16.3.
Variant type: single nucleotide variant.
Coding change: c.1456G>T on transcript NM_000203.5 (MANE Select); coding-DNA position 1456, G replaced by T.
Protein change: p.Glu486Ter; replaces glutamic acid 486 with a stop codon.
Molecular consequence: nonsense. On other transcripts: non-coding transcript variant (1).
Genome position (GRCh38, 1-based): chr4:1,003,089, G>T. VCF-style: chr4-1003089-G-T. GRCh37 (hg19) VCF-style: chr4-996877-G-T.
Other names: c.1060G>T, p.Glu354Ter (NM_001363576.1); short protein forms E354*, E486*.
Identifiers: ClinVar variation 651168 (VCV000651168.13), dbSNP rs1356329915, ClinGen allele CA355964628.
Genomic context (GRCh38, chr4:1,003,089, plus strand): 5'-CCCGCAGGCCTGGTCTACGTCACGCGCTACCTGGACAACGGGCTCTGCAGCCCCGACGGC[G>T]AGTGGCGGCGCCTGGGCCGGCCCGTCTTCCCCACGGCAGAGCAGTTCCGGCGCATGCGCG-3'

ClinVar aggregate classification (germline): Pathogenic. Review status: criteria provided, multiple submitters, no conflicts (2 of 4 stars). 3 submissions from 3 submitters: Pathogenic (3). Last evaluated 2023-09-14.

Conditions:
Mucopolysaccharidosis type 1. Also called: IDUA deficiency; MPS I; Mucopolysaccharidosis Type I. Identifiers: Orphanet 579, MedGen C0023786, MONDO:0001586.
Hurler syndrome. Also called: MUCOPOLYSACCHARIDOSIS TYPE IH; Severe MPS I (Hurler Syndrome); Gargoylism, Hurler Syndrome. Identifiers: Orphanet 93473, MedGen C0086795, MONDO:0011758, OMIM 607014.

gnomAD v4.1: 4 of 1,521,212 alleles (0.00026%); highest among the groups gnomAD compares: South Asian, 0.0012%; no homozygotes.

Submissions (3):

3billion
Classification: Pathogenic for Hurler syndrome. Last evaluated: 2023-09-14. Review status: criteria provided, single submitter. Criteria: ACMG Guidelines, 2015. Collection method: clinical testing. Allele origin: germline. Affected: yes.
Comment: The variant is observed at an extremely low frequency in the gnomAD v2.1.1 dataset (total allele frequency: 0.001%). Predicted Consequence/Location: Stop-gained (nonsense): predicted to result in a loss or disruption of normal protein function through nonsense-mediated decay (NMD) or protein truncation. Multiple pathogenic variants are reported downstream of the variant. The variant has been reported at least twice as pathogenic with clinical assertions and evidence for the classification (ClinVar ID: VCV000651168 /PMID: 28752568). Therefore, this variant is classified as Pathogenic according to the recommendation of ACMG/AMP guideline.

Victorian Clinical Genetics Services, Murdoch Childrens Research Institute
Classification: Pathogenic for Mucopolysaccharidosis type 1. Last evaluated: 2020-05-21. Review status: criteria provided, single submitter. Criteria: ACMG Guidelines, 2015. Collection method: clinical testing. Allele origin: germline. Inheritance: Autosomal recessive inheritance.
Comment: Based on the classification scheme VCGS_Germline_v1.1.1, this variant is classified as pathogenic. Following criteria are met: 0102 - Loss-of-function is a known mechanism of disease for this gene. (N) 0106 - This gene is known to be associated with autosomal recessive disease. (N) 0201 - Variant is predicted to cause nonsense-mediated decay (NMD) and loss of protein (exon 10 of 14). (P) 0251 - Variant is heterozygous. (N) 0304 - Variant is present in gnomAD <0.01 for a recessive condition (1 heterozygote, 0 homozygotes). (P) 0701 - Comparable variants have very strong previous evidence for pathogenicity. Many other NMD predicted variants have previously been reported in patients with MPS I (ClinVar, PMID: 28752568) (P) 0803 - Low previous evidence of pathogenicity in unrelated individuals. This variant has been reported in at least 2 patients with MPS I (ClinVar, PMID: 31400021; 28752568) (P) 1208 - Inheritance information for this variant is not currently available. (N) Legend: (P) - Pathogenic, (N) - Neutral, (B) - Benign

Labcorp Genetics (formerly Invitae), Labcorp
Classification: Pathogenic for Mucopolysaccharidosis type 1. Last evaluated: 2019-04-22. Review status: criteria provided, single submitter. Criteria: Invitae Variant Classification Sherloc (09022015). Collection method: clinical testing. Allele origin: germline.
Comment: For these reasons, this variant has been classified as Pathogenic. Loss-of-function variants in IDUA are known to be pathogenic (PMID: 11735025, 21480867). This variant has been observed as homozygous in an individual affected with mucopolysaccharidosis type I (PMID: 28752568). This variant is not present in population databases (ExAC no frequency). This sequence change creates a premature translational stop signal (p.Glu486*) in the IDUA gene. It is expected to result in an absent or disrupted protein product.

Literature cited by the submitters: PubMed 28752568 (cited by 3 submitters); PubMed 31400021 (cited by Victorian Clinical Genetics Services, Murdoch Childrens Research Institute); PubMed 11735025 (cited by Labcorp Genetics (formerly Invitae), Labcorp); PubMed 21480867 (cited by Labcorp Genetics (formerly Invitae), Labcorp).